The following is an entry in ClinVar:

ClinVar aggregate classification (germline): Likely pathogenic (1 of 4 stars; one submission).

Conditions:
Primary ciliary dyskinesia 3. Identifiers: Orphanet 244, MedGen C1837618, MONDO:0012085, OMIM 608644.

Submission:

Myriad Genetics, Inc.
Classification: Likely pathogenic for Primary ciliary dyskinesia 3. Last evaluated: 2021-11-26. Review status: criteria provided, single submitter. Criteria: Myriad Women's Health Autosomal Recessive and X-Linked Classification Criteria (2021). Collection method: clinical testing. Allele origin: unknown.
Comment: NM_001369.2(DNAH5):c.7052_7053delCT(S2351Cfs*4) is expected to be pathogenic in the context of DNAH5-related primary ciliary dyskinesia. This variant is predicted to lead to an abnormal or absent protein product due to the creation of a premature termination codon in DNAH5, a gene where loss-of-function variants are known to be pathogenic. Please note: this variant was assessed in the context of healthy population screening.

NM_001369.3(DNAH5):c.7052_7053del (p.Ser2351fs)

Gene: DNAH5 (dynein axonemal heavy chain 5; minus strand). Cytogenetic location: 5p15.2.
Variant type: Deletion.
Coding change: c.7052_7053del on transcript NM_001369.3 (MANE Select); coding-DNA positions 7052 to 7053, 2 bases deleted (CT; older notation c.7052_7053delCT).
Protein change: p.Ser2351fs; shifts the reading frame from serine 2351.
Molecular consequence: frameshift variant.
Genome position (GRCh38, 1-based): chr5:13,814,782-13,814,783, AG deleted on the plus strand (CT on the coding strand, the reverse complement: DNAH5 is on the minus strand); deleting any 2 consecutive bases within chr5:13,814,782-13,814,784 gives the same sequence; the c. name uses the placement nearest the transcript's 3' end. VCF-style (leftmost placement, unchanged base first): chr5-13814781-CAG-C. GRCh37 (hg19) VCF-style: chr5-13814890-CAG-C.
Other names: short protein forms S2351fs.
Identifiers: ClinVar variation 1724974 (VCV001724974.2), dbSNP rs2546825682, ClinGen allele CA2580072112.
Genomic context (GRCh38, chr5:13,814,781, plus strand): 5'-TTGGAGCCATGGGAATCCGATCACCATTGGCAAGGGTTAGAGTTTTGTTATCATCCAAAA[CAG>C]AATTCAGATTTTCAATCCAGATGGCATCTACTGGACCATCAAGAATTATCCAGATATGTT-3'